The following is an entry in ClinVar:

ClinVar aggregate classification (germline): Uncertain significance. Review status: criteria provided, multiple submitters, no conflicts (2 of 4 stars). 3 submissions from 3 submitters: Uncertain significance (3). Last evaluated 2025-10-16.

Conditions:
Renal cell carcinoma. Identifiers: Orphanet 217071, MedGen C0007134, MeSH D002292, MONDO:0005086, HP:0005584.
Hereditary cancer-predisposing syndrome. Also called: Neoplastic Syndromes, Hereditary; Tumor predisposition; Hereditary neoplastic syndrome; Hereditary Cancer Syndrome. Identifiers: Orphanet 140162, MedGen C0027672, MeSH D009386, MONDO:0015356.
Autosomal recessive nonsyndromic hearing loss 97. Also called: Deafness, autosomal recessive 97. Identifiers: Orphanet 90636, MedGen C4084709, MONDO:0014739, OMIM 616705.

Allele frequency attached by ClinVar (database versions not stated): gnomAD exomes below 0.00001; gnomAD 0.00001 and 0.00002; TOPMed 0.00005.
gnomAD v4.1: 3 of 1,613,686 alleles (0.00019%); highest among the groups gnomAD compares: Admixed American, 0.0033%; no homozygotes.

Submissions (3):

Labcorp Genetics (formerly Invitae), Labcorp
Classification: Uncertain significance for Renal cell carcinoma. Last evaluated: 2025-10-16. Review status: criteria provided, single submitter. Criteria: Invitae Variant Classification Sherloc (09022015). Collection method: clinical testing. Allele origin: germline.
Comment: This sequence change replaces asparagine, which is neutral and polar, with serine, which is neutral and polar, at codon 926 of the MET protein (p.Asn926Ser). This variant is not present in population databases (gnomAD no frequency). This variant has not been reported in the literature in individuals affected with MET-related conditions. ClinVar contains an entry for this variant (Variation ID: 579348). Invitae Evidence Modeling of protein sequence and biophysical properties (such as structural, functional, and spatial information, amino acid conservation, physicochemical variation, residue mobility, and thermodynamic stability) indicates that this missense variant is not expected to disrupt MET protein function with a negative predictive value of 80%. In summary, the available evidence is currently insufficient to determine the role of this variant in disease. Therefore, it has been classified as a Variant of Uncertain Significance.

Ambry Genetics
Classification: Uncertain significance for Hereditary cancer-predisposing syndrome. Last evaluated: 2024-06-12. Review status: criteria provided, single submitter. Criteria: Ambry Variant Classification Scheme 2023. Collection method: clinical testing. Allele origin: germline.
Comment: The p.N926S variant (also known as c.2777A>G), located in coding exon 11 of the MET gene, results from an A to G substitution at nucleotide position 2777. The asparagine at codon 926 is replaced by serine, an amino acid with highly similar properties. This amino acid position is well conserved in available vertebrate species. In addition, this alteration is predicted to be tolerated by in silico analysis. Based on the available evidence, the clinical significance of this variant remains unclear.

Baylor Genetics
Classification: Uncertain significance for Autosomal recessive nonsyndromic hearing loss 97. Last evaluated: 2023-08-18. Review status: criteria provided, single submitter. Criteria: ACMG Guidelines, 2015. Collection method: clinical testing. Allele origin: unknown.

NM_000245.4(MET):c.2723A>G (p.Asn908Ser)

Gene: MET (MET proto-oncogene, receptor tyrosine kinase; plus strand). Cytogenetic location: 7q31.2.
Variant type: single nucleotide variant.
Coding change: c.2723A>G on transcript NM_000245.4 (MANE Select); coding-DNA position 2723, A replaced by G.
Protein change: p.Asn908Ser; replaces asparagine 908 with serine.
Molecular consequence: missense variant.
Genome position (GRCh38, 1-based): chr7:116,769,784, A>G. VCF-style: chr7-116769784-A-G. GRCh37 (hg19) VCF-style: chr7-116409838-A-G.
Other names: c.2777A>G, p.Asn926Ser (NM_001127500.3); c.2723A>G, p.Asn908Ser (NM_001324401.3); c.1433A>G, p.Asn478Ser (NM_001324402.2); short protein forms N926S, N478S, N908S.
Identifiers: ClinVar variation 579348 (VCV000579348.14), dbSNP rs1478309975, ClinGen allele CA368985861.